The following is an entry in ClinVar:

NM_004385.5(VCAN):c.6014C>T (p.Thr2005Ile)

Genes: VCAN (versican; plus strand), VCAN-AS1 (VCAN antisense RNA 1; minus strand). Cytogenetic location: 5q14.3.
Variant type: single nucleotide variant.
Coding change: c.6014C>T on transcript NM_004385.5 (MANE Select); coding-DNA position 6014, C replaced by T.
Protein change: p.Thr2005Ile; replaces threonine 2005 with isoleucine.
Molecular consequence: missense variant. On other transcripts: intron variant (2).
Genome position (GRCh38, 1-based): chr5:83,539,017, C>T. VCF-style: chr5-83539017-C-T. GRCh37 (hg19) VCF-style: chr5-82834836-C-T.
Other names: c.3053C>T, p.Thr1018Ile (NM_001164097.2); c.4004-6520C>T (NM_001164098.2); c.1043-6520C>T (NM_001126336.3); short protein forms T1018I, T2005I.
Identifiers: ClinVar variation 1996796 (VCV001996796.4), dbSNP rs747223289, ClinGen allele CA3333409.

ClinVar aggregate classification (germline): Uncertain significance (1 of 4 stars; one submission).

Allele frequency attached by ClinVar (database versions not stated): ExAC 0.00002; gnomAD 0.00001; gnomAD exomes 0.00001.
gnomAD v4.1: 7 of 1,613,922 alleles (0.00043%); highest among the groups gnomAD compares: Admixed American, 0.0017%; no homozygotes.

Submission:

Labcorp Genetics (formerly Invitae), Labcorp
Classification: Uncertain significance. Last evaluated: 2025-12-02. Review status: criteria provided, single submitter. Criteria: Invitae Variant Classification Sherloc (09022015). Collection method: clinical testing. Allele origin: germline.
Comment: This sequence change replaces threonine, which is neutral and polar, with isoleucine, which is neutral and non-polar, at codon 2005 of the VCAN protein (p.Thr2005Ile). This variant is present in population databases (rs747223289, gnomAD 0.004%). This variant has not been reported in the literature in individuals affected with VCAN-related conditions. ClinVar contains an entry for this variant (Variation ID: 1996796). An algorithm developed to predict the effect of missense changes on protein structure and function outputs the following: PolyPhen-2: "Benign". The isoleucine amino acid residue is found in multiple mammalian species, which suggests that this missense change does not adversely affect protein function. In summary, the available evidence is currently insufficient to determine the role of this variant in disease. Therefore, it has been classified as a Variant of Uncertain Significance.